The following is an entry in ClinVar:

NM_001999.4(FBN2):c.8498G>A (p.Arg2833His)

Gene: FBN2 (fibrillin 2; minus strand). Cytogenetic location: 5q23.3.
Variant type: single nucleotide variant.
Coding change: c.8498G>A on transcript NM_001999.4 (MANE Select); coding-DNA position 8498, G replaced by A.
Protein change: p.Arg2833His; replaces arginine 2833 with histidine.
Molecular consequence: missense variant.
Genome position (GRCh38, 1-based): chr5:128,259,696, C>T on the plus strand (G>A on the coding strand, the complement: FBN2 is on the minus strand). VCF-style: chr5-128259696-C-T. GRCh37 (hg19) VCF-style: chr5-127595388-C-T.
Other names: short protein forms R2833H.
Identifiers: ClinVar variation 213375 (VCV000213375.11), dbSNP rs753753954, ClinGen allele CA321628.

ClinVar aggregate classification (germline): Conflicting classifications of pathogenicity. Review status: criteria provided, conflicting classifications (1 of 4 stars). 3 submissions from 3 submitters: Uncertain significance (2); Benign (1). Last evaluated 2025-02-01.

Conditions:
Familial thoracic aortic aneurysm and aortic dissection (TAAD). Also called: Thoracic aortic aneurysms and dissections. Identifiers: Orphanet 91387, MedGen C4707243, MONDO:0019625.
Congenital contractural arachnodactyly (CCA). Also called: Beals-Hecht syndrome; BEALS SYNDROME; Arthrogryposis, distal, type 9. Identifiers: Orphanet 115, MedGen C0220668, MONDO:0007363, OMIM 121050.

Allele frequency attached by ClinVar (database versions not stated): gnomAD 0.00002; TOPMed 0.00003; gnomAD exomes 0.00004 and 0.00007; ExAC 0.00006.
gnomAD v4.1: 55 of 1,613,678 alleles (0.0034%); highest among the groups gnomAD compares: South Asian, 0.024%; 1 homozygote.

Submissions (3):

Labcorp Genetics (formerly Invitae), Labcorp
Classification: Benign for Congenital contractural arachnodactyly. Last evaluated: 2025-02-01. Review status: criteria provided, single submitter. Criteria: Invitae Variant Classification Sherloc (09022015). Collection method: clinical testing. Allele origin: germline.

Ambry Genetics
Classification: Uncertain significance for Familial thoracic aortic aneurysm and aortic dissection. Last evaluated: 2015-09-07. Review status: criteria provided, single submitter. Criteria: Ambry Variant Classification Scheme 2023. Collection method: clinical testing. Allele origin: germline.
Comment: The p.R2833H variant (also known as c.8498G>A), located in coding exon 65 of the FBN2 gene, results from a G to A substitution at nucleotide position 8498. The arginine at codon 2833 is replaced by histidine, an amino acid with highly similar properties. This variant was not reported in population based cohorts in the following databases: Database of Single Nucleotide Polymorphisms (dbSNP), NHLBI Exome Sequencing Project (ESP), and 1000 Genomes Project. In the ESP, this variant was not observed in 6503 samples (13006 alleles) with coverage at this position. This amino acid position is well conserved in available vertebrate species. In addition, the in silico prediction for this alteration is inconclusive. Since supporting evidence is limited at this time, the clinical significance of this variant remains unclear.

GeneDx
Classification: Uncertain significance. Last evaluated: 2012-11-20. Review status: criteria provided, single submitter. Criteria: GeneDx Variant Classification (06012015). Collection method: clinical testing. Allele origin: germline. Affected: yes.
Comment: p.Arg2833His (CGT>CAT): c.8498 G>A in exon 65 of the FBN2 gene (NM_001999.3) The Arg2833His variant in the FBN2 gene has not been reported as a disease-causing mutation or as a benign polymorphism to our knowledge. Although Arg2833His results in a conservative amino acid substitution of one positively charged amino acid with another, the substitution occurs at a position that is conserved across species. In silico analysis predicts Arg2833His is possibly damaging to the protein structure/function. The NHLBI ESP Exome Variant Server reports Arg2833His was not observed in approximately 6,000 samples from individuals of European and African American backgrounds, indicating it is not a common benign variant in these populations. Nevertheless, no mutations in nearby codons have been reported in association with congenital contractural arachnodactyly or an FBN2-related disorder. With the clinical and molecular information available at this time, we cannot definitively determine if Arg2833His is a disease-causing mutation or a rare benign variant. This variant was found in TAAD